The following is an entry in ClinVar:

ClinVar aggregate classification (germline): Pathogenic/Likely pathogenic. Review status: criteria provided, multiple submitters, no conflicts (2 of 4 stars). 2 submissions from 2 submitters: Pathogenic (1); Likely pathogenic (1). Last evaluated 2023-08-28.

Conditions:
Glycogen storage disease type III (GSD3). Also called: FORBES DISEASE; Cori disease. Identifiers: Orphanet 366, MedGen C0017922, MONDO:0009291, OMIM 232400.

Submissions (2):

Labcorp Genetics (formerly Invitae), Labcorp
Classification: Pathogenic for Glycogen storage disease type III. Last evaluated: 2023-08-28. Review status: criteria provided, single submitter. Criteria: Invitae Variant Classification Sherloc (09022015). Collection method: clinical testing. Allele origin: germline.
Comment: For these reasons, this variant has been classified as Pathogenic. This variant has not been reported in the literature in individuals affected with AGL-related conditions. This variant is not present in population databases (gnomAD no frequency). This sequence change creates a premature translational stop signal (p.Ser383*) in the AGL gene. It is expected to result in an absent or disrupted protein product. Loss-of-function variants in AGL are known to be pathogenic (PMID: 19299494).

Baylor Genetics
Classification: Likely pathogenic for Glycogen storage disease type III. Last evaluated: 2022-06-02. Review status: criteria provided, single submitter. Criteria: ACMG Guidelines, 2015. Collection method: clinical testing. Allele origin: unknown.

Literature cited by the submitters: PubMed 19299494 (cited by Labcorp Genetics (formerly Invitae), Labcorp).

NM_000642.3(AGL):c.1148C>G (p.Ser383Ter)

Gene: AGL (amylo-alpha-1,6-glucosidase and 4-alpha-glucanotransferase; plus strand). Cytogenetic location: 1p21.2.
Variant type: single nucleotide variant.
Coding change: c.1148C>G on transcript NM_000642.3 (MANE Select); coding-DNA position 1148, C replaced by G.
Protein change: p.Ser383Ter; replaces serine 383 with a stop codon.
Molecular consequence: nonsense.
Genome position (GRCh38, 1-based): chr1:99,875,219, C>G. VCF-style: chr1-99875219-C-G. GRCh37 (hg19) VCF-style: chr1-100340775-C-G.
Other names: c.1148C>G, p.Ser383Ter (NM_000028.3, NM_000643.3, NM_000644.3 and 2 more transcripts); c.1100C>G, p.Ser367Ter (NM_000646.3); c.944C>G, p.Ser315Ter (NM_001425328.1, NM_001425329.1); c.770C>G, p.Ser257Ter (NM_001425332.1); c.1148C>G (NM_000642.2); short protein forms S257*, S315*, S367*, S383*.
Identifiers: ClinVar variation 2674837 (VCV002674837.4), dbSNP rs1651412496, ClinGen allele CA341344797.